The following is an entry in ClinVar:

NM_024422.6(DSC2):c.1469G>A (p.Ser490Asn)

Gene: DSC2 (desmocollin 2; minus strand). Cytogenetic location: 18q12.1.
Variant type: single nucleotide variant.
Coding change: c.1469G>A on transcript NM_024422.6 (MANE Select); coding-DNA position 1469, G replaced by A.
Protein change: p.Ser490Asn; replaces serine 490 with asparagine.
Molecular consequence: missense variant.
Genome position (GRCh38, 1-based): chr18:31,080,147, C>T on the plus strand (G>A on the coding strand, the complement: DSC2 is on the minus strand). VCF-style: chr18-31080147-C-T. GRCh37 (hg19) VCF-style: chr18-28660113-C-T.
Other names: c.1469G>A, p.Ser490Asn (NM_004949.5); short protein forms S490N.
Identifiers: ClinVar variation 496458 (VCV000496458.14), dbSNP rs780446276, ClinGen allele CA031433.

ClinVar aggregate classification (germline): Uncertain significance. Review status: criteria provided, multiple submitters, no conflicts (2 of 4 stars). 5 submissions from 5 submitters: Uncertain significance (5). Last evaluated 2025-10-28.

Conditions:
Cardiovascular phenotype. Identifiers: MedGen CN230736.
Cardiomyopathy (CMYO). Also called: Cardiomyopathies. Identifiers: Orphanet 167848, MedGen C0878544, MONDO:0004994, HP:0001638. Inheritance: Various modes of inheritance.
Arrhythmogenic right ventricular dysplasia 11. Also called: Arrhythmogenic Right Ventricular Dysplasia/Cardiomyopathy11; ARRHYTHMOGENIC RIGHT VENTRICULAR DYSPLASIA, FAMILIAL, 11; Arrhythmogenic right ventricular dysplasia 11 with mild palmoplantar keratoderma and woolly hair. Identifiers: MedGen C1864850, MONDO:0012506, OMIM 610476.

Allele frequency attached by ClinVar (database versions not stated): gnomAD exomes below 0.00001; TOPMed 0.00003; ExAC 0.00001; gnomAD 0.00001.
gnomAD v4.1: 7 of 1,613,936 alleles (0.00043%); highest among the groups gnomAD compares: African/African-American, 0.0027%; no homozygotes.

Submissions (5):

Labcorp Genetics (formerly Invitae), Labcorp
Classification: Uncertain significance for Arrhythmogenic right ventricular dysplasia 11. Last evaluated: 2025-10-28. Review status: criteria provided, single submitter. Criteria: Invitae Variant Classification Sherloc (09022015). Collection method: clinical testing. Allele origin: germline.
Comment: This sequence change replaces serine, which is neutral and polar, with asparagine, which is neutral and polar, at codon 490 of the DSC2 protein (p.Ser490Asn). This variant is present in population databases (rs780446276, gnomAD 0.007%). This variant has not been reported in the literature in individuals affected with DSC2-related conditions. ClinVar contains an entry for this variant (Variation ID: 496458). Invitae Evidence Modeling of protein sequence and biophysical properties (such as structural, functional, and spatial information, amino acid conservation, physicochemical variation, residue mobility, and thermodynamic stability) indicates that this missense variant is not expected to disrupt DSC2 protein function with a negative predictive value of 80%. In summary, the available evidence is currently insufficient to determine the role of this variant in disease. Therefore, it has been classified as a Variant of Uncertain Significance.

Color Diagnostics, LLC DBA Color Health
Classification: Uncertain significance for Cardiomyopathy. Last evaluated: 2023-04-07. Review status: criteria provided, single submitter. Criteria: ACMG Guidelines, 2015. Collection method: clinical testing. Allele origin: germline.
Comment: This missense variant replaces serine with asparagine at codon 490 of the DSC2 protein. Computational prediction suggests that this variant may not impact protein structure and function (internally defined REVEL score threshold <= 0.5, PMID: 27666373). To our knowledge, functional studies have not been reported for this variant. This variant has not been reported in individuals affected with DSC2-related disorders in the literature. This variant has been identified in 1/251272 chromosomes in the general population by the Genome Aggregation Database (gnomAD). The available evidence is insufficient to determine the role of this variant in disease conclusively. Therefore, this variant is classified as a Variant of Uncertain Significance.

Fulgent Genetics
Classification: Uncertain significance for Arrhythmogenic right ventricular dysplasia 11. Last evaluated: 2021-09-06. Review status: criteria provided, single submitter. Criteria: ACMG Guidelines, 2015. Collection method: clinical testing. Allele origin: unknown.

Ambry Genetics
Classification: Uncertain significance for Cardiovascular phenotype. Last evaluated: 2021-05-13. Review status: criteria provided, single submitter. Criteria: Ambry Variant Classification Scheme 2023. Collection method: clinical testing. Allele origin: germline.
Comment: The p.S490N variant (also known as c.1469G>A), located in coding exon 10 of the DSC2 gene, results from a G to A substitution at nucleotide position 1469. The serine at codon 490 is replaced by asparagine, an amino acid with highly similar properties. This amino acid position is poorly conserved in available vertebrate species. In addition, this alteration is predicted to be tolerated by in silico analysis. Since supporting evidence is limited at this time, the clinical significance of this alteration remains unclear.

Women's Health and Genetics/Laboratory Corporation of America, LabCorp
Classification: Uncertain significance. Last evaluated: 2021-04-20. Review status: criteria provided, single submitter. Criteria: LabCorp Variant Classification Summary - May 2015. Collection method: clinical testing. Allele origin: germline.
Comment: Variant summary: DSC2 c.1469G>A (p.Ser490Asn) results in a conservative amino acid change located in one of the cadherin repeats (IPR002126) in the encoded protein sequence. Five of five in-silico tools predict a benign effect of the variant on protein function. The variant allele was found at a frequency of 8.2e-06 in 364604 control chromosomes in the gnomAD database (v2.1 and v3 dataset). The available data on variant occurrences in the general population are insufficient to allow any conclusion about variant significance. To our knowledge, no occurrence of c.1469G>A in individuals affected with Cardiomyopathy and no experimental evidence demonstrating its impact on protein function have been reported. Two other clinical diagnostic laboratories have submitted clinical-significance assessments for this variant to ClinVar after 2014 without evidence for independent evaluation, and both of them classified the variant as uncertain significance. Based on the evidence outlined above, the variant was classified as uncertain significance.